The following is an entry in ClinVar:

NM_001363711.2(DUOX2):c.3313C>T (p.Leu1105Phe)

Gene: DUOX2 (dual oxidase 2; minus strand). Cytogenetic location: 15q21.1.
Variant type: single nucleotide variant.
Coding change: c.3313C>T on transcript NM_001363711.2 (MANE Select); coding-DNA position 3313, C replaced by T.
Protein change: p.Leu1105Phe; replaces leucine 1105 with phenylalanine.
Molecular consequence: missense variant.
Genome position (GRCh38, 1-based): chr15:45,099,764, G>A on the plus strand (C>T on the coding strand, the complement: DUOX2 is on the minus strand). VCF-style: chr15-45099764-G-A. GRCh37 (hg19) VCF-style: chr15-45391962-G-A.
Other names: c.3313C>T, p.Leu1105Phe (NM_014080.5); c.3313C>T (NM_014080.4); short protein forms L1105F.
Identifiers: ClinVar variation 3022610 (VCV003022610.3), dbSNP rs139115517, ClinGen allele CA7537921.

ClinVar aggregate classification (germline): Uncertain significance. Review status: criteria provided, multiple submitters, no conflicts (2 of 4 stars). 3 submissions from 3 submitters: Uncertain significance (3). Last evaluated 2026-04-07.

Conditions:
Inborn genetic diseases. Identifiers: MedGen C0950123, MeSH D030342.

Allele frequency attached by ClinVar (database versions not stated): 1000 Genomes Project 30x 0.00047; TOPMed 0.00008; gnomAD 0.00009; ESP Exome Variant Server 0.00008; 1000 Genomes Project 0.00040; gnomAD exomes 0.00002; ExAC 0.00003.
gnomAD v4.1: 45 of 1,614,234 alleles (0.0028%); highest among the groups gnomAD compares: African/African-American, 0.057%; no homozygotes.

Submissions (3):

GeneDx
Classification: Uncertain significance. Last evaluated: 2026-04-07. Review status: criteria provided, single submitter. Criteria: GeneDx Variant Classification Process June 2021. Collection method: clinical testing. Allele origin: germline.
Comment: In silico analysis supports that this missense variant has a deleterious effect on protein structure/function; Has not been previously published as pathogenic or benign to our knowledge

Ambry Genetics
Classification: Uncertain significance for Inborn genetic diseases. Last evaluated: 2025-06-24. Review status: criteria provided, single submitter. Criteria: Ambry Variant Classification Scheme 2023. Collection method: clinical testing. Allele origin: germline.

Labcorp Genetics (formerly Invitae), Labcorp
Classification: Uncertain significance. Last evaluated: 2023-12-11. Review status: criteria provided, single submitter. Criteria: Invitae Variant Classification Sherloc (09022015). Collection method: clinical testing. Allele origin: germline.
Comment: This sequence change replaces leucine, which is neutral and non-polar, with phenylalanine, which is neutral and non-polar, at codon 1105 of the DUOX2 protein (p.Leu1105Phe). This variant is present in population databases (rs139115517, gnomAD 0.03%). This variant has not been reported in the literature in individuals affected with DUOX2-related conditions. Advanced modeling of protein sequence and biophysical properties (such as structural, functional, and spatial information, amino acid conservation, physicochemical variation, residue mobility, and thermodynamic stability) has been performed at Invitae for this missense variant, however the output from this modeling did not meet the statistical confidence thresholds required to predict the impact of this variant on DUOX2 protein function. In summary, the available evidence is currently insufficient to determine the role of this variant in disease. Therefore, it has been classified as a Variant of Uncertain Significance.